The following is an entry in ClinVar:

ClinVar aggregate classification (germline): Uncertain significance. Review status: criteria provided, multiple submitters, no conflicts (2 of 4 stars). 2 submissions from 2 submitters: Uncertain significance (2). Last evaluated 2025-06-12.

Conditions:
Inborn genetic diseases. Identifiers: MedGen C0950123, MeSH D030342.

gnomAD v4.1: 1 of 1,598,882 alleles (0.000063%); highest among the groups gnomAD compares: East Asian, 0.0022%; no homozygotes.

Submissions (2):

Ambry Genetics
Classification: Uncertain significance for Inborn genetic diseases. Last evaluated: 2025-06-12. Review status: criteria provided, single submitter. Criteria: Ambry Variant Classification Scheme 2023. Collection method: clinical testing. Allele origin: germline.
Comment: The p.R899G variant (also known as c.2695A>G), located in coding exon 14 of the FANCM gene, results from an A to G substitution at nucleotide position 2695. The arginine at codon 899 is replaced by glycine, an amino acid with dissimilar properties. This amino acid position is conserved. In addition, this alteration is predicted to be tolerated by in silico analysis. Based on the available evidence, the clinical significance of this variant remains unclear.

Quest Diagnostics Nichols Institute San Juan Capistrano
Classification: Uncertain significance. Last evaluated: 2025-01-03. Review status: criteria provided, single submitter. Criteria: Quest Diagnostics criteria. Collection method: clinical testing. Allele origin: unknown.
Comment: The FANCM c.2695A>G (p.Arg899Gly) variant has not been reported in individuals with FANCM-related conditions in the published literature. The frequency of this variant in the general population (Genome Aggregation Database) is uninformative in the assessment of its pathogenicity. Analysis of this variant using bioinformatics tools for the prediction of the effect of amino acid changes on protein structure and function yielded predictions that this variant is benign. Based on the available information, we are unable to determine the clinical significance of this variant.

NM_020937.4(FANCM):c.2695A>G (p.Arg899Gly)

Gene: FANCM (FA complementation group M; plus strand). Cytogenetic location: 14q21.2.
Variant type: single nucleotide variant.
Coding change: c.2695A>G on transcript NM_020937.4 (MANE Select); coding-DNA position 2695, A replaced by G.
Protein change: p.Arg899Gly; replaces arginine 899 with glycine.
Molecular consequence: missense variant.
Genome position (GRCh38, 1-based): chr14:45,175,449, A>G. VCF-style: chr14-45175449-A-G. GRCh37 (hg19) VCF-style: chr14-45644652-A-G.
Other names: c.2617A>G, p.Arg873Gly (NM_001308133.2); c.2695A>G (NM_020937.3); short protein forms R899G, R873G.
Identifiers: ClinVar variation 4022877 (VCV004022877.2).
Genomic context (GRCh38, chr14:45,175,449, plus strand): 5'-GATAATGACAGAAATTCCACTGTTGAAAATATTTTTCAAGAAGACCTACCAAATGATAAA[A>G]GGACATCAGATACAGATGAAATTGCTGCCACATGTACTATTAATGAAAATGTTATTAAAG-3'
Protein context (NP_065988.1, residues 889-909): IFQEDLPNDK[Arg899Gly]TSDTDEIAAT